The following is an entry in ClinVar:

NM_000755.5(CRAT):c.995C>T (p.Ala332Val)

Gene: CRAT (carnitine O-acetyltransferase; minus strand). Cytogenetic location: 9q34.11.
Variant type: single nucleotide variant.
Coding change: c.995C>T on transcript NM_000755.5 (MANE Select); coding-DNA position 995, C replaced by T.
Protein change: p.Ala332Val; replaces alanine 332 with valine.
Molecular consequence: missense variant.
Genome position (GRCh38, 1-based): chr9:129,099,956, G>A on the plus strand (C>T on the coding strand, the complement: CRAT is on the minus strand). VCF-style: chr9-129099956-G-A. GRCh37 (hg19) VCF-style: chr9-131862235-G-A.
Other names: c.932C>T, p.Ala311Val (NM_001257363.3, NM_001346548.2, NM_004003.4); c.998C>T, p.Ala333Val (NM_001346546.2); c.995C>T, p.Ala332Val (NM_001346547.2); c.875C>T, p.Ala292Val (NM_001346549.2); short protein forms A332V, A311V, A292V, A333V.
Identifiers: ClinVar variation 3672809 (VCV003672809.2).

ClinVar aggregate classification (germline): Uncertain significance (1 of 4 stars; one submission).

gnomAD v4.1: 5 of 1,613,106 alleles (0.00031%); highest among the groups gnomAD compares: Admixed American, 0.005%; no homozygotes.

Submission:

Labcorp Genetics (formerly Invitae), Labcorp
Classification: Uncertain significance. Last evaluated: 2024-03-25. Review status: criteria provided, single submitter. Criteria: Invitae Variant Classification Sherloc (09022015). Collection method: clinical testing. Allele origin: germline.
Comment: This sequence change replaces alanine, which is neutral and non-polar, with valine, which is neutral and non-polar, at codon 332 of the CRAT protein (p.Ala332Val). This variant is present in population databases (no rsID available, gnomAD 0.003%). This variant has not been reported in the literature in individuals affected with CRAT-related conditions. Advanced modeling of protein sequence and biophysical properties (such as structural, functional, and spatial information, amino acid conservation, physicochemical variation, residue mobility, and thermodynamic stability) performed at Invitae indicates that this missense variant is not expected to disrupt CRAT protein function with a negative predictive value of 80%. In summary, the available evidence is currently insufficient to determine the role of this variant in disease. Therefore, it has been classified as a Variant of Uncertain Significance.